The following is an entry in ClinVar:

ClinVar aggregate classification (germline): Uncertain significance (1 of 4 stars; one submission).

Conditions:
Gnathodiaphyseal dysplasia (GDD). Also called: GNATHODIAPHYSEAL SCLEROSIS; OSTEOGENESIS IMPERFECTA WITH UNUSUAL SKELETAL LESIONS. Identifiers: Orphanet 53697, MedGen C1833736, MONDO:0008151, OMIM 166260.
Autosomal recessive limb-girdle muscular dystrophy type 2L (LGMDR12). Also called: MUSCULAR DYSTROPHY, LIMB-GIRDLE, AUTOSOMAL RECESSIVE 12; Limb-girdle muscular dystrophy, type 2L; Limb-Girdle Muscular Dystrophy R12 Anoctamin-5-Related (LGMD-R12). Identifiers: Orphanet 206549, MedGen C1969785, MONDO:0012652, OMIM 611307.

Submission:

Labcorp Genetics (formerly Invitae), Labcorp
Classification: Uncertain significance for Autosomal recessive limb-girdle muscular dystrophy type 2L; Gnathodiaphyseal dysplasia. Last evaluated: 2022-08-28. Review status: criteria provided, single submitter. Criteria: Invitae Variant Classification Sherloc (09022015). Collection method: clinical testing. Allele origin: germline.
Comment: In summary, the available evidence is currently insufficient to determine the role of this variant in disease. Therefore, it has been classified as a Variant of Uncertain Significance. Experimental studies and prediction algorithms are not available or were not evaluated, and the functional significance of this variant is currently unknown. This variant has not been reported in the literature in individuals affected with ANO5-related conditions. This variant is not present in population databases (gnomAD no frequency). This variant, c.544_558del, results in the deletion of 5 amino acid(s) of the ANO5 protein (p.Pro182_Tyr186del), but otherwise preserves the integrity of the reading frame.

NM_213599.3(ANO5):c.544_558del (p.Pro182_Tyr186del)

Gene: ANO5 (anoctamin 5; plus strand). Cytogenetic location: 11p14.3.
Variant type: Deletion.
Coding change: c.544_558del on transcript NM_213599.3 (MANE Select); coding-DNA positions 544 to 558, 15 bases deleted (CCCCATCCTGAATAT).
Protein change: p.Pro182_Tyr186del.
Molecular consequence: inframe deletion. On other transcripts: inframe indel (2).
Genome position (GRCh38, 1-based): chr11:22,227,482-22,227,496, CCCCATCCTGAATAT deleted; deleting any 15 consecutive bases within chr11:22,227,479-22,227,496 gives the same sequence; the c. name uses the placement nearest the transcript's 3' end. VCF-style (leftmost placement, unchanged base first): chr11-22227478-GTATCCCCATCCTGAA-G. GRCh37 (hg19) VCF-style: chr11-22249024-GTATCCCCATCCTGAA-G.
Other names: c.541_555del, p.Pro181_Tyr185del (NM_001142649.2); c.502_516delCCCCATCCTGAATAT, p.Pro168_Tyr172del (NM_001410963.1); c.499_513delCCCCATCCTGAATAT, p.Pro167_Tyr171del (NM_001410964.1).
Identifiers: ClinVar variation 2027663 (VCV002027663.4), dbSNP rs2494150551, ClinGen allele CA2580082862.